The following is an entry in ClinVar:

NM_001252024.2(TRPM1):c.2750T>C (p.Leu917Pro)

Genes: TRPM1 (transient receptor potential cation channel subfamily M member 1; minus strand), TRPM1-AS1 (TRPM1 antisense RNA 1; plus strand). Cytogenetic location: 15q13.3.
Variant type: single nucleotide variant.
Coding change: c.2750T>C on transcript NM_001252024.2 (MANE Select); coding-DNA position 2750, T replaced by C.
Protein change: p.Leu917Pro; replaces leucine 917 with proline.
Molecular consequence: missense variant.
Genome position (GRCh38, 1-based): chr15:31,032,891, A>G on the plus strand (T>C on the coding strand, the complement: TRPM1 is on the minus strand). VCF-style: chr15-31032891-A-G. GRCh37 (hg19) VCF-style: chr15-31325094-A-G.
Other names: c.2801T>C, p.Leu934Pro (NM_001252020.2); c.2684T>C, p.Leu895Pro (NM_002420.6); short protein forms L917P, L934P, L895P.
Identifiers: ClinVar variation 2008851 (VCV002008851.4), dbSNP rs2504069015, ClinGen allele CA391546475.

ClinVar aggregate classification (germline): Uncertain significance (1 of 4 stars; one submission).

Submission:

Labcorp Genetics (formerly Invitae), Labcorp
Classification: Uncertain significance. Last evaluated: 2022-06-22. Review status: criteria provided, single submitter. Criteria: Invitae Variant Classification Sherloc (09022015). Collection method: clinical testing. Allele origin: germline.
Comment: In summary, the available evidence is currently insufficient to determine the role of this variant in disease. Therefore, it has been classified as a Variant of Uncertain Significance. Algorithms developed to predict the effect of missense changes on protein structure and function are either unavailable or do not agree on the potential impact of this missense change (SIFT: "Deleterious"; PolyPhen-2: "Probably Damaging"; Align-GVGD: "Class C0"). This variant has not been reported in the literature in individuals affected with TRPM1-related conditions. This variant is not present in population databases (gnomAD no frequency). This sequence change replaces leucine, which is neutral and non-polar, with proline, which is neutral and non-polar, at codon 895 of the TRPM1 protein (p.Leu895Pro).